The following is an entry in ClinVar:

ClinVar aggregate classification (germline): Uncertain significance (1 of 4 stars; one submission).

Conditions:
Charcot-Marie-Tooth disease axonal type 2Z. Also called: CHARCOT-MARIE-TOOTH DISEASE, AXONAL, AUTOSOMAL DOMINANT, TYPE 2Z; CHARCOT-MARIE-TOOTH NEUROPATHY, TYPE 2Z. Identifiers: Orphanet 466768, MedGen C5569025, MONDO:0014736, OMIM 616688.

Allele frequency attached by ClinVar (database versions not stated): ExAC 0.00001; TOPMed 0.00001; gnomAD exomes 0.00001.
gnomAD v4.1: 16 of 1,614,040 alleles (0.00099%); highest among the groups gnomAD compares: African/African-American, 0.0053%; 1 homozygote.

Submission:

Labcorp Genetics (formerly Invitae), Labcorp
Classification: Uncertain significance for Charcot-Marie-Tooth disease axonal type 2Z. Last evaluated: 2025-08-29. Review status: criteria provided, single submitter. Criteria: Invitae Variant Classification Sherloc (09022015). Collection method: clinical testing. Allele origin: germline.
Comment: This sequence change replaces arginine, which is basic and polar, with glutamine, which is neutral and polar, at codon 358 of the MORC2 protein (p.Arg358Gln). This variant also falls at the last nucleotide of exon 12, which is part of the consensus splice site for this exon. This variant is present in population databases (rs200173132, gnomAD 0.0009%). This variant has not been reported in the literature in individuals affected with MORC2-related conditions. ClinVar contains an entry for this variant (Variation ID: 2720150). An algorithm developed to predict the effect of missense changes on protein structure and function (PolyPhen-2) suggests that this variant is likely to be tolerated. Variants that disrupt the consensus splice site are a relatively common cause of aberrant splicing (PMID: 17576681, 9536098). In summary, the available evidence is currently insufficient to determine the role of this variant in disease. Therefore, it has been classified as a Variant of Uncertain Significance.

Literature cited by the submitters: PubMed 17576681; PubMed 9536098.

NM_001303256.3(MORC2):c.1073G>A (p.Arg358Gln)

Gene: MORC2 (MORC family CW-type zinc finger 2; minus strand). Cytogenetic location: 22q12.2.
Variant type: single nucleotide variant.
Coding change: c.1073G>A on transcript NM_001303256.3 (MANE Select); coding-DNA position 1073, G replaced by A.
Protein change: p.Arg358Gln; replaces arginine 358 with glutamine.
Molecular consequence: missense variant.
Genome position (GRCh38, 1-based): chr22:30,939,621, C>T on the plus strand (G>A on the coding strand, the complement: MORC2 is on the minus strand). VCF-style: chr22-30939621-C-T. GRCh37 (hg19) VCF-style: chr22-31335608-C-T.
Other names: c.1073G>A, p.Arg358Gln (NM_001303257.2); c.887G>A, p.Arg296Gln (NM_014941.3); short protein forms R358Q, R296Q.
Identifiers: ClinVar variation 2720150 (VCV002720150.3), dbSNP rs200173132, ClinGen allele CA10187045.